The following is an entry in ClinVar:

NM_006086.4(TUBB3):c.386G>A (p.Cys129Tyr)

Gene: TUBB3 (tubulin beta 3 class III; plus strand). Cytogenetic location: 16q24.3.
Variant type: single nucleotide variant.
Coding change: c.386G>A on transcript NM_006086.4 (MANE Select); coding-DNA position 386, G replaced by A.
Protein change: p.Cys129Tyr; replaces cysteine 129 with tyrosine.
Molecular consequence: missense variant.
Genome position (GRCh38, 1-based): chr16:89,934,837, G>A. VCF-style: chr16-89934837-G-A. GRCh37 (hg19) VCF-style: chr16-90001245-G-A.
Other names: c.170G>A, p.Cys57Tyr (NM_001197181.2); short protein forms C129Y, C57Y.
Identifiers: ClinVar variation 1309208 (VCV001309208.3), dbSNP rs2151092738, ClinGen allele CA397474352.

ClinVar aggregate classification (germline): Likely pathogenic (1 of 4 stars; one submission).

Submission:

GeneDx
Classification: Likely pathogenic. Last evaluated: 2025-05-13. Review status: criteria provided, single submitter. Criteria: GeneDx Variant Classification Process June 2021. Collection method: clinical testing. Allele origin: germline. Affected: yes.
Comment: In silico analysis supports that this missense variant has a deleterious effect on protein structure/function; Missense variants in this gene are a common cause of disease and they are underrepresented in the general population; Not observed at significant frequency in large population cohorts (gnomAD); This variant is associated with the following publications: (PMID: 37713978, 20829227)